The following is an entry in ClinVar:

NM_001379270.1(CNGA1):c.1858G>A (p.Glu620Lys)

Genes: CNGA1 (cyclic nucleotide gated channel subunit alpha 1; minus strand), LOC101927157 (uncharacterized LOC101927157; plus strand). Cytogenetic location: 4p12.
Variant type: single nucleotide variant.
Coding change: c.1858G>A on transcript NM_001379270.1 (MANE Select); coding-DNA position 1858, G replaced by A.
Protein change: p.Glu620Lys; replaces glutamic acid 620 with lysine.
Molecular consequence: missense variant.
Genome position (GRCh38, 1-based): chr4:47,936,624, C>T on the plus strand (G>A on the coding strand, the complement: CNGA1 is on the minus strand). VCF-style: chr4-47936624-C-T. GRCh37 (hg19) VCF-style: chr4-47938641-C-T.
Other names: c.1858G>A, p.Glu620Lys (NM_000087.5, NM_001142564.2); short protein forms E620K.
Identifiers: ClinVar variation 2654749 (VCV002654749.25), dbSNP rs2475745878, ClinGen allele CA356823413.

ClinVar aggregate classification (germline): Uncertain significance. Review status: criteria provided, multiple submitters, no conflicts (2 of 4 stars). 2 submissions from 2 submitters: Uncertain significance (2). Last evaluated 2023-08-01.

Allele frequency attached by ClinVar (database versions not stated): gnomAD exomes below 0.00001.
gnomAD v4.1: 1 of 1,614,190 alleles (0.000062%); highest among the groups gnomAD compares: Non-Finnish European, 0.000085%; no homozygotes.

Submissions (2):

CeGaT Center for Human Genetics Tuebingen
Classification: Uncertain significance. Last evaluated: 2023-08-01. Review status: criteria provided, single submitter. Criteria: CeGaT Center For Human Genetics Tuebingen Variant Classification Criteria Version 2. Collection method: clinical testing. Allele origin: germline. Affected: yes. Observed: 1 variant allele.
Comment: CNGA1: PM2

Blueprint Genetics
Classification: Uncertain significance. Last evaluated: 2021-12-13. Review status: criteria provided, single submitter. Criteria: ACMG Guidelines, 2015. Collection method: clinical testing. Allele origin: germline.